The following is an entry in ClinVar:

NM_014727.3(KMT2B):c.2222T>C (p.Leu741Pro)

Gene: KMT2B (lysine methyltransferase 2B; plus strand). Cytogenetic location: 19q13.12.
Variant type: single nucleotide variant.
Coding change: c.2222T>C on transcript NM_014727.3 (MANE Select); coding-DNA position 2222, T replaced by C.
Protein change: p.Leu741Pro; replaces leucine 741 with proline.
Molecular consequence: missense variant.
Genome position (GRCh38, 1-based): chr19:35,721,569, T>C. VCF-style: chr19-35721569-T-C. GRCh37 (hg19) VCF-style: chr19-36212471-T-C.
Other names: short protein forms L741P.
Identifiers: ClinVar variation 1462106 (VCV001462106.19), dbSNP rs751880626, ClinGen allele CA9384373.

ClinVar aggregate classification (germline): Benign/Likely benign. Review status: criteria provided, multiple submitters, no conflicts (2 of 4 stars). 2 submissions from 2 submitters: Benign (1); Likely benign (1). Last evaluated 2025-01-01.

Allele frequency attached by ClinVar (database versions not stated): gnomAD exomes below 0.00001 and 0.00001; gnomAD 0.00001; TOPMed 0.00001; ExAC 0.00002.
gnomAD v4.1: 3 of 1,611,802 alleles (0.00019%); highest among the groups gnomAD compares: Non-Finnish European, 0.00017%; no homozygotes.

Submissions (2):

CeGaT Center for Human Genetics Tuebingen
Classification: Likely benign. Last evaluated: 2025-01-01. Review status: criteria provided, single submitter. Criteria: CeGaT Center For Human Genetics Tuebingen Variant Classification Criteria Version 2. Collection method: clinical testing. Allele origin: germline. Affected: yes. Observed: 1 variant allele.
Comment: KMT2B: BP4

Labcorp Genetics (formerly Invitae), Labcorp
Classification: Benign. Last evaluated: 2022-12-06. Review status: criteria provided, single submitter. Criteria: Invitae Variant Classification Sherloc (09022015). Collection method: clinical testing. Allele origin: germline.